The following is an entry in ClinVar:

NM_022114.4(PRDM16):c.2065G>A (p.Ala689Thr)

Gene: PRDM16 (PR/SET domain 16; plus strand). Cytogenetic location: 1p36.32.
Variant type: single nucleotide variant.
Coding change: c.2065G>A on transcript NM_022114.4 (MANE Select); coding-DNA position 2065, G replaced by A.
Protein change: p.Ala689Thr; replaces alanine 689 with threonine.
Molecular consequence: missense variant.
Genome position (GRCh38, 1-based): chr1:3,412,262, G>A. VCF-style: chr1-3412262-G-A. GRCh37 (hg19) VCF-style: chr1-3328826-G-A.
Other names: c.2065G>A, p.Ala689Thr (NM_199454.3); short protein forms A689T.
Identifiers: ClinVar variation 3714713 (VCV003714713.4).

ClinVar aggregate classification (germline): Conflicting classifications of pathogenicity. Review status: criteria provided, conflicting classifications (1 of 4 stars). 3 submissions from 3 submitters: Uncertain significance (2); Likely benign (1). Last evaluated 2024-11-25.

Conditions:
Left ventricular noncompaction 8 (LVNC8). Identifiers: Orphanet 154, Orphanet 54260, MedGen C3809288, MONDO:0014152, OMIM 615373.

gnomAD v4.1: 22 of 1,612,794 alleles (0.0014%); highest among the groups gnomAD compares: Admixed American, 0.0033%; no homozygotes.

Submissions (3):

Blueprint Genetics
Classification: Likely benign. Last evaluated: 2024-11-25. Review status: criteria provided, single submitter. Criteria: ACMG Guidelines, 2015. Collection method: clinical testing. Allele origin: germline.

Labcorp Genetics (formerly Invitae), Labcorp
Classification: Uncertain significance for Left ventricular noncompaction 8. Last evaluated: 2024-10-19. Review status: criteria provided, single submitter. Criteria: Invitae Variant Classification Sherloc (09022015). Collection method: clinical testing. Allele origin: germline.
Comment: This sequence change replaces alanine, which is neutral and non-polar, with threonine, which is neutral and polar, at codon 689 of the PRDM16 protein (p.Ala689Thr). This variant is present in population databases (rs750573716, gnomAD 0.004%). This variant has not been reported in the literature in individuals affected with PRDM16-related conditions. An algorithm developed to predict the effect of missense changes on protein structure and function (PolyPhen-2) suggests that this variant is likely to be tolerated. In summary, the available evidence is currently insufficient to determine the role of this variant in disease. Therefore, it has been classified as a Variant of Uncertain Significance.

Clinical Genomics Laboratory, Stanford Medicine
Classification: Uncertain significance for Left ventricular noncompaction 8. Last evaluated: 2022-11-22. Review status: criteria provided, single submitter. Criteria: ACMG Guidelines, 2015. Collection method: clinical testing. Allele origin: germline. Observed: 1 variant allele, 1 heterozygote.
Comment: The p.Ala689Thr variant in the PRDM16 gene has not been previously reported in association with disease. This variant has been identified in 1/24,164 African/African American chromosomes (2/280,122 chromosomes overall) by the Genome Aggregation Database. The alanine at position 689 is moderately evolutionarily conserved. Computational tools predict that the p.Ala689Thr variant does not impact protein function; however, the accuracy of in silico algorithms is limited. These data were assessed using the ACMG/AMP variant interpretation guidelines. In summary, the significance of the p.Ala689Thr variant is uncertain. Additional information is needed to resolve the significance of this variant. [ACMG evidence codes used: PM2; BP4]